The following is an entry in ClinVar:

ClinVar aggregate classification (germline): Uncertain significance (1 of 4 stars; one submission).

Conditions:
Developmental and epileptic encephalopathy, 53. Also called: Epileptic encephalopathy, early infantile, 53. Identifiers: MedGen C4479313, MONDO:0033362, OMIM 617389.
Early-onset Parkinson disease 20. Also called: PARKINSON DISEASE 20, AUTOSOMAL RECESSIVE EARLY-ONSET. Identifiers: Orphanet 391411, MedGen C3809824, MONDO:0014233, OMIM 615530.

Submission:

Labcorp Genetics (formerly Invitae), Labcorp
Classification: Uncertain significance for Developmental and epileptic encephalopathy, 53; Early-onset Parkinson disease 20. Last evaluated: 2022-08-31. Review status: criteria provided, single submitter. Criteria: Invitae Variant Classification Sherloc (09022015). Collection method: clinical testing. Allele origin: germline.
Comment: This variant is not present in population databases (gnomAD no frequency). This variant has not been reported in the literature in individuals affected with SYNJ1-related conditions. Algorithms developed to predict the effect of missense changes on protein structure and function (SIFT, PolyPhen-2, Align-GVGD) all suggest that this variant is likely to be tolerated. In summary, the available evidence is currently insufficient to determine the role of this variant in disease. Therefore, it has been classified as a Variant of Uncertain Significance. This sequence change replaces isoleucine, which is neutral and non-polar, with valine, which is neutral and non-polar, at codon 905 of the SYNJ1 protein (p.Ile905Val).

NM_203446.3(SYNJ1):c.2596A>G (p.Ile866Val)

Gene: SYNJ1 (synaptojanin 1; minus strand). Cytogenetic location: 21q22.11.
Variant type: single nucleotide variant.
Coding change: c.2596A>G on transcript NM_203446.3 (MANE Select); coding-DNA position 2596, A replaced by G.
Protein change: p.Ile866Val; replaces isoleucine 866 with valine.
Molecular consequence: missense variant.
Genome position (GRCh38, 1-based): chr21:32,656,886, T>C on the plus strand (A>G on the coding strand, the complement: SYNJ1 is on the minus strand). VCF-style: chr21-32656886-T-C. GRCh37 (hg19) VCF-style: chr21-34029196-T-C.
Other names: c.2596A>G, p.Ile866Val (NM_001160302.2); c.2581A>G, p.Ile861Val (NM_001160306.2); c.2713A>G, p.Ile905Val (NM_003895.4); short protein forms I905V, I861V, I866V.
Identifiers: ClinVar variation 2114298 (VCV002114298.3), dbSNP rs2517531131, ClinGen allele CA410074083.